The following is an entry in ClinVar:

NM_006206.6(PDGFRA):c.2967T>G (p.Ile989Met)

Gene: PDGFRA (platelet derived growth factor receptor alpha; plus strand). Cytogenetic location: 4q12.
Variant type: single nucleotide variant.
Coding change: c.2967T>G on transcript NM_006206.6 (MANE Select); coding-DNA position 2967, T replaced by G.
Protein change: p.Ile989Met; replaces isoleucine 989 with methionine.
Molecular consequence: missense variant.
Genome position (GRCh38, 1-based): chr4:54,290,399, T>G. VCF-style: chr4-54290399-T-G. GRCh37 (hg19) VCF-style: chr4-55156566-T-G.
Other names: c.3042T>G, p.Ile1014Met (NM_001347828.2); c.2967T>G, p.Ile989Met (NM_001347829.2); c.3006T>G, p.Ile1002Met (NM_001347830.2); short protein forms I989M, I1002M, I1014M.
Identifiers: ClinVar variation 4665554 (VCV004665554.1).
Genomic context (GRCh38, chr4:54,290,399, plus strand): 5'-CCTGAAGAGTGACCATCCTGCTGTGGCACGCATGCGTGTGGACTCAGACAATGCATACAT[T>G]GGTGTCACCTACAAAAACGAGGAAGACAAGCTGAAGGACTGGGAGGGTGGTCTGGATGAG-3'
Protein context (NP_006197.1, residues 979-999): RMRVDSDNAY[Ile989Met]GVTYKNEEDK

ClinVar aggregate classification (germline): Uncertain significance (1 of 4 stars; one submission).

Conditions:
Hereditary cancer-predisposing syndrome. Also called: Neoplastic Syndromes, Hereditary; Tumor predisposition; Hereditary Cancer Syndrome; Hereditary neoplastic syndrome. Identifiers: Orphanet 140162, MedGen C0027672, MeSH D009386, MONDO:0015356.

Submission:

Ambry Genetics
Classification: Uncertain significance for Hereditary cancer-predisposing syndrome. Last evaluated: 2025-12-03. Review status: criteria provided, single submitter. Criteria: Ambry Variant Classification Scheme 2023. Collection method: clinical testing. Allele origin: germline.
Comment: The p.I989M variant (also known as c.2967T>G), located in coding exon 21 of the PDGFRA gene, results from a T to G substitution at nucleotide position 2967. The isoleucine at codon 989 is replaced by methionine, an amino acid with highly similar properties. This amino acid position is conserved. In addition, this alteration is predicted to be tolerated by in silico analysis. Based on the available evidence, the clinical significance of this variant remains unclear.